The following is an entry in ClinVar:

NM_000553.6(WRN):c.2991A>T (p.Gln997His)

Gene: WRN (WRN RecQ like helicase; plus strand). Cytogenetic location: 8p12.
Variant type: single nucleotide variant.
Coding change: c.2991A>T on transcript NM_000553.6 (MANE Select); coding-DNA position 2991, A replaced by T.
Protein change: p.Gln997His; replaces glutamine 997 with histidine.
Molecular consequence: missense variant.
Genome position (GRCh38, 1-based): chr8:31,141,453, A>T. VCF-style: chr8-31141453-A-T. GRCh37 (hg19) VCF-style: chr8-30998969-A-T.
Other names: short protein forms Q997H.
Identifiers: ClinVar variation 1462524 (VCV001462524.3), dbSNP rs1487585191, ClinGen allele CA370921736.
Genomic context (GRCh38, chr8:31,141,453, plus strand): 5'-TAGCATTTTTAGATACTGATTTTATTCCTAATTTCAGAATTCTCAGCGTCTTGCCGATCA[A>T]TATCGCAGGCACAGTTTATTTGGCACTGGCAAGGATCAAACAGAGAGTTGGTGGAAGGCT-3'
Protein context (NP_000544.2, residues 987-1007): RGSNSQRLAD[Gln997His]YRRHSLFGTG

ClinVar aggregate classification (germline): Uncertain significance (1 of 4 stars; one submission).

Conditions:
Werner syndrome (WRN). Identifiers: Orphanet 902, MedGen C0043119, MONDO:0010196, OMIM 277700.

Allele frequency attached by ClinVar (database versions not stated): gnomAD exomes below 0.00001; TOPMed below 0.00001.
gnomAD v4.1: 4 of 1,614,058 alleles (0.00025%); highest among the groups gnomAD compares: Non-Finnish European, 0.00025%; no homozygotes.

Submission:

Labcorp Genetics (formerly Invitae), Labcorp
Classification: Uncertain significance for Werner syndrome. Last evaluated: 2022-04-12. Review status: criteria provided, single submitter. Criteria: Invitae Variant Classification Sherloc (09022015). Collection method: clinical testing. Allele origin: germline.
Comment: This sequence change replaces glutamine, which is neutral and polar, with histidine, which is basic and polar, at codon 997 of the WRN protein (p.Gln997His). This variant is present in population databases (no rsID available, gnomAD no frequency). This variant has not been reported in the literature in individuals affected with WRN-related conditions. Algorithms developed to predict the effect of missense changes on protein structure and function are either unavailable or do not agree on the potential impact of this missense change (SIFT: "Not Available"; PolyPhen-2: "Possibly Damaging"; Align-GVGD: "Not Available"). Algorithms developed to predict the effect of sequence changes on RNA splicing suggest that this variant may create or strengthen a splice site. In summary, the available evidence is currently insufficient to determine the role of this variant in disease. Therefore, it has been classified as a Variant of Uncertain Significance.